The following is an entry in ClinVar:

NM_022489.4(INF2):c.322del (p.Val108fs)

Gene: INF2 (inverted formin 2; plus strand). Cytogenetic location: 14q32.33.
Variant type: Deletion.
Coding change: c.322del on transcript NM_022489.4 (MANE Select); coding-DNA position 322, one base deleted (G; older notation c.322delG).
Protein change: p.Val108fs; shifts the reading frame from valine 108.
Molecular consequence: frameshift variant.
Genome position (GRCh38, 1-based): chr14:104,701,687, G deleted. VCF-style (leftmost placement, unchanged base first): chr14-104701686-CG-C. GRCh37 (hg19) VCF-style: chr14-105168023-CG-C.
Other names: c.322del, p.Val108fs (NM_001031714.4, NM_032714.3); short protein forms V108fs.
Identifiers: ClinVar variation 1461964 (VCV001461964.6), dbSNP rs2140639383, ClinGen allele CA2573150524.

ClinVar aggregate classification (germline): Uncertain significance (1 of 4 stars; one submission).

Conditions:
Charcot-Marie-Tooth disease dominant intermediate E. Also called: CHARCOT-MARIE-TOOTH NEUROPATHY WITH FOCAL SEGMENTAL GLOMERULONEPHRITIS. Identifiers: Orphanet 93114, MedGen C4302667, MONDO:0013758, OMIM 614455.
Focal segmental glomerulosclerosis 5 (FSGS5). Identifiers: Orphanet 656, MedGen C2750475, MONDO:0013191, OMIM 613237.

Submission:

Labcorp Genetics (formerly Invitae), Labcorp
Classification: Uncertain significance for Charcot-Marie-Tooth disease dominant intermediate E; Focal segmental glomerulosclerosis 5. Last evaluated: 2021-09-08. Review status: criteria provided, single submitter. Criteria: Invitae Variant Classification Sherloc (09022015). Collection method: clinical testing. Allele origin: germline.
Comment: This sequence change creates a premature translational stop signal (p.Val108Serfs*2) in the INF2 gene. It is expected to result in an absent or disrupted protein product. However, the current clinical and genetic evidence is not sufficient to establish whether loss-of-function variants in INF2 cause disease. The frequency data for this variant in the population databases is considered unreliable, as metrics indicate insufficient coverage at this position in the ExAC database. This variant has not been reported in the literature in individuals affected with INF2-related conditions. In summary, the available evidence is currently insufficient to determine the role of this variant in disease. Therefore, it has been classified as a Variant of Uncertain Significance.